The following is an entry in ClinVar:

NM_213622.4(STAMBP):c.1207C>T (p.Pro403Ser)

Gene: STAMBP (STAM binding protein; plus strand). Cytogenetic location: 2p13.1.
Variant type: single nucleotide variant.
Coding change: c.1207C>T on transcript NM_213622.4 (MANE Select); coding-DNA position 1207, C replaced by T.
Protein change: p.Pro403Ser; replaces proline 403 with serine.
Molecular consequence: missense variant. On other transcripts: non-coding transcript variant (4).
Genome position (GRCh38, 1-based): chr2:73,860,140, C>T. VCF-style: chr2-73860140-C-T. GRCh37 (hg19) VCF-style: chr2-74087267-C-T.
Other names: c.1207C>T, p.Pro403Ser (NM_001353967.2, NM_001353968.2, NM_001353969.2 and 3 more transcripts); c.802C>T, p.Pro268Ser (NM_001353971.2, NM_001353972.2, NM_001353973.2 and 3 more transcripts); short protein forms P268S, P403S.
Identifiers: ClinVar variation 1715571 (VCV001715571.5), dbSNP rs1678158286, ClinGen allele CA347294009.

ClinVar aggregate classification (germline): Uncertain significance (1 of 4 stars; one submission).

Allele frequency attached by ClinVar (database versions not stated): gnomAD exomes below 0.00001.

Submission:

Labcorp Genetics (formerly Invitae), Labcorp
Classification: Uncertain significance. Last evaluated: 2022-07-15. Review status: criteria provided, single submitter. Criteria: Invitae Variant Classification Sherloc (09022015). Collection method: clinical testing. Allele origin: germline.
Comment: This sequence change replaces proline, which is neutral and non-polar, with serine, which is neutral and polar, at codon 403 of the STAMBP protein (p.Pro403Ser). This variant is not present in population databases (gnomAD no frequency). This variant has not been reported in the literature in individuals affected with STAMBP-related conditions. Algorithms developed to predict the effect of missense changes on protein structure and function (SIFT, PolyPhen-2, Align-GVGD) all suggest that this variant is likely to be tolerated. In summary, the available evidence is currently insufficient to determine the role of this variant in disease. Therefore, it has been classified as a Variant of Uncertain Significance.